The following is an entry in ClinVar:

ClinVar aggregate classification (germline): Uncertain significance. Review status: criteria provided, multiple submitters, no conflicts (2 of 4 stars). 2 submissions from 2 submitters: Uncertain significance (2). Last evaluated 2024-04-30.

Conditions:
Acrocallosal syndrome (ACLS). Also called: HALLUX DUPLICATION, POSTAXIAL POLYDACTYLY, AND ABSENCE OF CORPUS CALLOSUM; Schinzel syndrome 1; Absence of corpus callosum with unusual facial appearance, mental deficiency, duplication of the halluces and polydactyly. Identifiers: Orphanet 36, MedGen C0796147, MONDO:0008708, OMIM 200990.

Allele frequency attached by ClinVar (database versions not stated): gnomAD 0.00001; ExAC 0.00002; gnomAD exomes 0.00002 and 0.00003; TOPMed 0.00004.

Submissions (2):

GeneDx
Classification: Uncertain significance. Last evaluated: 2024-04-30. Review status: criteria provided, single submitter. Criteria: GeneDx Variant Classification Process June 2021. Collection method: clinical testing. Allele origin: germline. Affected: yes.
Comment: Not observed at significant frequency in large population cohorts (gnomAD); In silico analysis supports that this missense variant has a deleterious effect on protein structure/function; Has not been previously published as pathogenic or benign to our knowledge

Labcorp Genetics (formerly Invitae), Labcorp
Classification: Uncertain significance for Acrocallosal syndrome. Last evaluated: 2024-01-22. Review status: criteria provided, single submitter. Criteria: Invitae Variant Classification Sherloc (09022015). Collection method: clinical testing. Allele origin: germline.
Comment: This sequence change replaces arginine, which is basic and polar, with glutamine, which is neutral and polar, at codon 1071 of the KIF7 protein (p.Arg1071Gln). This variant is present in population databases (rs768917109, gnomAD 0.009%). This variant has not been reported in the literature in individuals affected with KIF7-related conditions. ClinVar contains an entry for this variant (Variation ID: 1192156). Advanced modeling of protein sequence and biophysical properties (such as structural, functional, and spatial information, amino acid conservation, physicochemical variation, residue mobility, and thermodynamic stability) performed at Invitae indicates that this missense variant is not expected to disrupt KIF7 protein function with a negative predictive value of 80%. In summary, the available evidence is currently insufficient to determine the role of this variant in disease. Therefore, it has been classified as a Variant of Uncertain Significance.

NM_198525.3(KIF7):c.3212G>A (p.Arg1071Gln)

Gene: KIF7 (kinesin family member 7; minus strand). Cytogenetic location: 15q26.1.
Variant type: single nucleotide variant.
Coding change: c.3212G>A on transcript NM_198525.3 (MANE Select); coding-DNA position 3212, G replaced by A.
Protein change: p.Arg1071Gln; replaces arginine 1071 with glutamine.
Molecular consequence: missense variant.
Genome position (GRCh38, 1-based): chr15:89,630,393, C>T on the plus strand (G>A on the coding strand, the complement: KIF7 is on the minus strand). VCF-style: chr15-89630393-C-T. GRCh37 (hg19) VCF-style: chr15-90173624-C-T.
Other names: short protein forms R1071Q.
Identifiers: ClinVar variation 1192156 (VCV001192156.7), dbSNP rs768917109, ClinGen allele CA7727794.